The following is an entry in ClinVar:

NM_031220.4(PITPNM3):c.2579T>C (p.Ile860Thr)

Gene: PITPNM3 (PITPNM family member 3; minus strand). Cytogenetic location: 17p13.2.
Variant type: single nucleotide variant.
Coding change: c.2579T>C on transcript NM_031220.4 (MANE Select); coding-DNA position 2579, T replaced by C.
Protein change: p.Ile860Thr; replaces isoleucine 860 with threonine.
Molecular consequence: missense variant.
Genome position (GRCh38, 1-based): chr17:6,457,634, A>G on the plus strand (T>C on the coding strand, the complement: PITPNM3 is on the minus strand). VCF-style: chr17-6457634-A-G. GRCh37 (hg19) VCF-style: chr17-6360954-A-G.
Other names: c.2471T>C, p.Ile824Thr (NM_001165966.2); short protein forms I824T, I860T.
Identifiers: ClinVar variation 1052393 (VCV001052393.10), dbSNP rs374323008, ClinGen allele CA8329131.
Genomic context (GRCh38, chr17:6,457,634, plus strand): 5'-CCAGCCCCGCCTCCACCCACCTGGCACTGGGTTTGGTACTTCTTGGTGGGCCGGCCCACA[A>G]TGAAGATCTGGGAGGCAGGCAGGCCCAGCACGCTGTAGACAGAGATGTCCTTCGTGGAGC-3'
Protein context (NP_112497.2, residues 850-870): VLGLPASQIF[Ile860Thr]VGRPTKKYQT

ClinVar aggregate classification (germline): Uncertain significance. Review status: criteria provided, multiple submitters, no conflicts (2 of 4 stars). 2 submissions from 2 submitters: Uncertain significance (2). Last evaluated 2022-10-03.

Allele frequency attached by ClinVar (database versions not stated): gnomAD 0.00001; ExAC 0.00003; gnomAD exomes 0.00004; ESP Exome Variant Server 0.00008.
gnomAD v4.1: 55 of 1,612,514 alleles (0.0034%); highest among the groups gnomAD compares: Admixed American, 0.0067%; no homozygotes.

Submissions (2):

Labcorp Genetics (formerly Invitae), Labcorp
Classification: Uncertain significance. Last evaluated: 2022-10-03. Review status: criteria provided, single submitter. Criteria: Invitae Variant Classification Sherloc (09022015). Collection method: clinical testing. Allele origin: germline.
Comment: In summary, the available evidence is currently insufficient to determine the role of this variant in disease. Therefore, it has been classified as a Variant of Uncertain Significance. Advanced modeling of protein sequence and biophysical properties (such as structural, functional, and spatial information, amino acid conservation, physicochemical variation, residue mobility, and thermodynamic stability) performed at Invitae indicates that this missense variant is not expected to disrupt PITPNM3 protein function. ClinVar contains an entry for this variant (Variation ID: 1052393). This missense change has been observed in individual(s) with autoimmune retinopathy or clinical features of inherited retinal dystrophy (PMID: 29176531; Invitae). This variant is present in population databases (rs374323008, gnomAD 0.005%). This sequence change replaces isoleucine, which is neutral and non-polar, with threonine, which is neutral and polar, at codon 860 of the PITPNM3 protein (p.Ile860Thr).

Blueprint Genetics
Classification: Uncertain significance. Last evaluated: 2021-11-05. Review status: criteria provided, single submitter. Criteria: ACMG Guidelines, 2015. Collection method: clinical testing. Allele origin: germline.

Literature cited by the submitters: PubMed 29176531 (cited by Labcorp Genetics (formerly Invitae), Labcorp).